The following is an entry in ClinVar:

ClinVar aggregate classification (germline): Likely benign. Review status: criteria provided, single submitter (1 of 4 stars). 2 submissions from 2 submitters: Likely benign (1). 1 of the submissions does not count toward it. Last evaluated 2023-01-01.

Conditions:
PLXNA3-related disorder. Also called: PLXNA3-related condition.

Allele frequency attached by ClinVar (database versions not stated): ExAC 0.00004; gnomAD 0.00005; TOPMed 0.00006; gnomAD exomes 0.00007; ESP Exome Variant Server 0.00019.
gnomAD v4.1: 77 of 1,195,074 alleles (0.0064%); highest among the groups gnomAD compares: Non-Finnish European, 0.0082%; no homozygotes.

Submissions (2):

CeGaT Center for Human Genetics Tuebingen
Classification: Likely benign. Last evaluated: 2023-01-01. Review status: criteria provided, single submitter. Criteria: CeGaT Center For Human Genetics Tuebingen Variant Classification Criteria Version 2. Collection method: clinical testing. Allele origin: germline. Affected: yes. Observed: 1 variant allele.
Comment: PLXNA3: BP4, BP7, BS2

PreventionGenetics, part of Exact Sciences
Classification: Likely benign for PLXNA3-related condition. Last evaluated: 2019-05-02. Review status: no assertion criteria provided. Collection method: clinical testing. Allele origin: germline. Not counted in ClinVar's aggregate classification.
Comment: This variant is classified as likely benign based on ACMG/AMP sequence variant interpretation guidelines (Richards et al. 2015 PMID: 25741868, with internal and published modifications).

NM_017514.5(PLXNA3):c.3411C>T (p.Asp1137=)

Gene: PLXNA3 (plexin A3; plus strand). Cytogenetic location: Xq28.
Variant type: single nucleotide variant.
Coding change: c.3411C>T on transcript NM_017514.5 (MANE Select); coding-DNA position 3411, C replaced by T.
Protein change: p.Asp1137=; no amino-acid change (aspartic acid 1137 retained).
Molecular consequence: synonymous variant.
Genome position (GRCh38, 1-based): chrX:154,467,441, C>T. VCF-style: chrX-154467441-C-T. GRCh37 (hg19) VCF-style: chrX-153695784-C-T.
Identifiers: ClinVar variation 2661838 (VCV002661838.25), dbSNP rs370470034, ClinGen allele CA10564617.
Genomic context (GRCh38, chrX:154,467,441, plus strand): 5'-CTCCTTTACCTACTACCCTGATCCCAGCTTTGAGCCGCTGGGGCCCTCTGGCGTGCTGGA[C>T]GTCAAACCGGGCTCCCACGTGGTGCTGAAGGTGCGGGCGGGGTGGGGGCGGGGAGGGGCG-3'
Protein context (NP_059984.3, residues 1127-1147): FEPLGPSGVL[Asp1137=]VKPGSHVVLK